The following is an entry in ClinVar:

ClinVar aggregate classification (germline): Uncertain significance (1 of 4 stars; one submission).

Conditions:
Complement component 3 deficiency. Identifiers: Orphanet 280133, MedGen C3151071, MONDO:0013417, OMIM 613779.

Submission:

Genomenon, Inc
Classification: Uncertain significance for Complement component 3 deficiency. Last evaluated: 2025-09-30. Review status: criteria provided, single submitter. Criteria: Genomenon Sequence Variant Interpretation Standards. Collection method: curation. Allele origin: germline. Affected: yes.
Comment: C3 p.Cys1518Trp (c.4554C>G) is a missense variant that changes the amino acid at residue 1518 from Cysteine to Tryptophan. This variant has been observed in at least one proband affected with C3 deficiency (PMID:22996269). It is absent or not present at a significant frequency in gnomAD. In silico models agree that this variant is possibly or probably damaging. In conclusion, we classify C3 p.Cys1518Trp (c.4554C>G) as a variant of unknown significance.

Literature cited by the submitters: PubMed 22996269.

NM_000064.4(C3):c.4554C>G (p.Cys1518Trp)

Gene: C3 (complement C3; minus strand). Cytogenetic location: 19p13.3.
Variant type: single nucleotide variant.
Coding change: c.4554C>G on transcript NM_000064.4 (MANE Select); coding-DNA position 4554, C replaced by G.
Protein change: p.Cys1518Trp; replaces cysteine 1518 with tryptophan.
Molecular consequence: missense variant.
Genome position (GRCh38, 1-based): chr19:6,679,201, G>C on the plus strand (C>G on the coding strand, the complement: C3 is on the minus strand). VCF-style: chr19-6679201-G-C. GRCh37 (hg19) VCF-style: chr19-6679212-G-C.
Other names: short protein forms C1518W.
Identifiers: ClinVar variation 4280236 (VCV004280236.1).
Genomic context (GRCh38, chr19:6,679,201, plus strand): 5'-CTCACAGGCCTTGTCCAGCCGTTCTTCCAGGGTGACCTTGTCATCCGACTTTTGTATGAA[G>C]CAATTCTCTGCAGGGTGGGGTGGAGACAGGGTCTAAGTCCCACTCCTTATCTGGGGCCTA-3'
Protein context (NP_000055.2, residues 1508-1528): DELCRCAEEN[Cys1518Trp]FIQKSDDKVT